The following is an entry in ClinVar:

NM_001273.5(CHD4):c.5042A>G (p.Lys1681Arg)

Genes: CHD4 (chromodomain helicase DNA binding protein 4; minus strand), CHD4-AS1 (CHD4 antisense RNA 1; plus strand). Cytogenetic location: 12p13.31.
Variant type: single nucleotide variant.
Coding change: c.5042A>G on transcript NM_001273.5 (MANE Select); coding-DNA position 5042, A replaced by G.
Protein change: p.Lys1681Arg; replaces lysine 1681 with arginine.
Molecular consequence: missense variant.
Genome position (GRCh38, 1-based): chr12:6,578,486, T>C on the plus strand (A>G on the coding strand, the complement: CHD4 is on the minus strand). VCF-style: chr12-6578486-T-C. GRCh37 (hg19) VCF-style: chr12-6687652-T-C.
Other names: c.5021A>G, p.Lys1674Arg (NM_001297553.2); c.5009A>G, p.Lys1670Arg (NM_001363606.2); short protein forms K1681R, K1670R, K1674R.
Identifiers: ClinVar variation 1463065 (VCV001463065.8), dbSNP rs778146868, ClinGen allele CA6411319.

ClinVar aggregate classification (germline): Uncertain significance (1 of 4 stars; one submission).

Allele frequency attached by ClinVar (database versions not stated): gnomAD exomes below 0.00001; ExAC 0.00001.
gnomAD v4.1: 2 of 1,613,976 alleles (0.00012%); highest among the groups gnomAD compares: Non-Finnish European, 0.00017%; no homozygotes.

Submission:

Labcorp Genetics (formerly Invitae), Labcorp
Classification: Uncertain significance. Last evaluated: 2021-04-16. Review status: criteria provided, single submitter. Criteria: Invitae Variant Classification Sherloc (09022015). Collection method: clinical testing. Allele origin: germline.
Comment: This sequence change replaces lysine with arginine at codon 1681 of the CHD4 protein (p.Lys1681Arg). The lysine residue is highly conserved and there is a small physicochemical difference between lysine and arginine. This variant is present in population databases (rs778146868, ExAC 0.002%). This variant has not been reported in the literature in individuals with CHD4-related conditions. Algorithms developed to predict the effect of missense changes on protein structure and function are either unavailable or do not agree on the potential impact of this missense change (SIFT: "Deleterious"; PolyPhen-2: "Benign"; Align-GVGD: "Class C25"). In summary, the available evidence is currently insufficient to determine the role of this variant in disease. Therefore, it has been classified as a Variant of Uncertain Significance.